The following continues an entry in ClinVar:

NM_002834.5(PTPN11):c.1507G>A (p.Gly503Arg)

Gene: PTPN11. ClinVar aggregate classification (germline): Pathogenic. Pathogenic (24). ClinVar aggregate classification (oncogenicity): Oncogenic.

Submissions 13 to 29 of 29:

GeneDx
Classification: Pathogenic. Last evaluated: 2022-03-08. Review status: criteria provided, single submitter. Criteria: GeneDx Variant Classification Process June 2021. Collection method: clinical testing. Allele origin: germline. Affected: yes.
Comment: Not observed in large population cohorts (gnomAD); In silico analysis supports that this missense variant has a deleterious effect on protein structure/function; Missense variants in this gene are often considered pathogenic (HGMD); This variant is associated with the following publications: (PMID: 18678287, 28628100, 15928039, 23513489, 24803665, 25533962, 27288520, 25862627, 28135719, 16358218, 28191890, 18470943, 23756559, 22465605, 30202406, 30050098, 29907801, 32164556, 33673806, 29493581, 31785789)

Blueprint Genetics
Classification: Pathogenic for PTPN11-related disorders. Last evaluated: 2022-01-21. Review status: criteria provided, single submitter. Criteria: ACMG Guidelines, 2015. Collection method: clinical testing. Allele origin: germline. Affected: yes. Observed: 5 variant alleles.

CeGaT Center for Human Genetics Tuebingen
Classification: Pathogenic. Last evaluated: 2021-08-01. Review status: criteria provided, single submitter. Criteria: CeGaT Center For Human Genetics Tuebingen Variant Classification Criteria Version 2. Collection method: clinical testing. Allele origin: germline. Affected: yes. Observed: 4 variant alleles.

Laboratorio de Genetica e Diagnostico Molecular, Hospital Israelita Albert Einstein
Classification: Pathogenic for Noonan syndrome 1. Last evaluated: 2021-07-15. Review status: criteria provided, single submitter. Criteria: ACMG Guidelines, 2015. Collection method: clinical testing. Allele origin: germline. Affected: yes.
Comment: ACMG classification criteria: PS1 strong, PS4 strong, PM2 moderate, PP2 supporting, PP3 supporting

Genome Diagnostics Laboratory, The Hospital for Sick Children
Classification: Pathogenic for Noonan syndrome and Noonan-related syndrome. Last evaluated: 2021-06-21. Review status: criteria provided, single submitter. Criteria: ACMG Guidelines, 2015. Collection method: clinical testing. Allele origin: germline. Affected: yes.

Victorian Clinical Genetics Services, Murdoch Childrens Research Institute
Classification: Pathogenic for Noonan syndrome 1. Last evaluated: 2021-05-06. Review status: criteria provided, single submitter. Criteria: ACMG Guidelines, 2015. Collection method: clinical testing. Allele origin: germline. Inheritance: Autosomal dominant inheritance. Affected: yes.
Comment: Based on the classification scheme VCGS_Germline_v1.3.4, this variant is classified as Pathogenic. Following criteria are met: 0103 - Both loss and gain of function are known mechanisms of disease for this gene. Metachondromatosis (MIM#156250) is associated with loss of function variants, whereas Noonan syndrome (MIM#163950) is caused by gain of function variants (PMIDs: 11992261, 24935154, 21533187). Variants that cause Noonan syndrome with multiple lentigines have a loss of function effect at the protein level but result in gain of function properties (PMID: 24935154). (I) 0107 - This gene is associated with autosomal dominant disease. (I) 0200 - Variant is predicted to result in a missense amino acid change from glycine to arginine. (I) 0251 - This variant is heterozygous. (I) 0302 - Variant is present in gnomAD (v2) <0.001 for a dominant condition (1 heterozygote, 0 homozygotes). (SP) 0309 - An alternative amino acid change at the same position has been observed in gnomAD (v2) (1 heterozygotes, 0 homozygotes). (I) 0501 - Missense variant consistently predicted to be damaging by multiple in silico tools or highly conserved with a major amino acid change. (SP) 0602 - Variant is located in a hotspot region or cluster of pathogenic variants (DECIPHER, PMID: 32164556). (SP) 0801 - This variant has strong previous evidence of pathogenicity in unrelated individuals. This variant has been reported in multiple individuals with Noonan syndrome in ClinVar and the literature (ClinVar, PMID: 32164556). (SP) Legend: (SP) - Supporting pathogenic, (I) - Information, (SB) - Supporting benign

Institute of Medical Genetics and Applied Genomics, University Hospital Tübingen
Classification: Pathogenic. Last evaluated: 2020-10-23. Review status: criteria provided, single submitter. Criteria: ACMG Guidelines, 2015. Collection method: clinical testing. Allele origin: germline. Inheritance: Autosomal dominant inheritance. Affected: yes.

Cambridge Genomics Laboratory, East Genomic Laboratory Hub, NHS Genomic Medicine Service
Classification: Pathogenic for Intellectual disability. Last evaluated: 2020-01-25. Review status: criteria provided, single submitter. Criteria: ACGS Best Practice Guidelines for Variant Classification in Rare Disease 2020. Collection method: clinical testing. Allele origin: germline. Affected: yes. Observed: 1 variant allele.

Fulgent Genetics
Classification: Pathogenic for LEOPARD syndrome 1; Metachondromatosis; Noonan syndrome 1; Juvenile myelomonocytic leukemia. Last evaluated: 2018-10-31. Review status: criteria provided, single submitter. Criteria: ACMG Guidelines, 2015. Collection method: clinical testing. Allele origin: unknown.

Laboratory for Molecular Medicine, Mass General Brigham Personalized Medicine
Classification: Pathogenic for Noonan syndrome; Juvenile myelomonocytic leukemia. Last evaluated: 2018-03-23. Review status: criteria provided, single submitter. Criteria: LMM Criteria. Collection method: clinical testing. Allele origin: germline. Inheritance: Autosomal dominant inheritance. Observed: 7 variant alleles.
Comment: The p.Gly503Arg (c.1507G>A) variant in PTPN11 has been reported as a somatic cha nge in at least 1 individual with a hematologic malignancy and as a germline cha nge in >10 individuals with clinical features of Noonan syndrome, including at l east 1 apparently de novo occurrence (Tartaglia 2006, Ferrero 2008, Cammarata-Sc alisi 2012, LMM data). This variant has also been reported in ClinVar (Variation ID 40559) and was absent from large population studies. In addition, the p.Gly5 03Arg variant due to a different nucleotide substitution (c.1507G>C) has also be en reported in individuals with Noonan syndrome, Noonan syndrome with juvenile m yelomonocytic leukemia (JMML), JMML, and Noonan syndrome with Hodgkin?s lymphoma (Tartaglia 2003, Tartaglia 2006, Lo 2008). Three other variants involving this codon (p.Gly503Glu, p.Gly503Ala, p.Gly503Val) have been reported as pathogenic. Computational prediction tools and conservation analysis suggest that the p.Gly5 03Arg variant may impact the protein. In summary, this variant meets criteria to be classified as pathogenic for Noonan syndrome in an autosomal dominant manner . ACMG/AMP Criteria applied: PS4; PM1; PM2; PM6; PP3.

Eurofins Ntd Llc (ga)
Classification: Pathogenic. Last evaluated: 2017-11-16. Review status: criteria provided, single submitter. Criteria: EGL Classification Definitions 2015. Collection method: clinical testing. Allele origin: germline. Observed: 2 variant alleles, 2 heterozygotes.

Center for Human Genetics, Inc
Classification: Pathogenic for Noonan syndrome 1. Last evaluated: 2016-11-01. Review status: criteria provided, single submitter. Criteria: ACMG Guidelines, 2015. Collection method: clinical testing. Allele origin: germline. Affected: yes.

Centre for Human Genetics
Classification: Pathogenic for Noonan syndrome 1. Review status: criteria provided, single submitter. Criteria: ACMG Guidelines, 2015. Collection method: clinical testing. Allele origin: de novo. Inheritance: Autosomal dominant inheritance. Affected: yes. Observed: 1 variant allele.
Comment: The change replaces glycine, which is neutral and non-polar, with arginine, which is basic and polar, at codon 503 of the PTPN11 protein (p.Gly503Arg) observed in individual(s) with Noonan syndrome. Three other variants involving this codon (p.Gly503Glu, p.Gly503Ala, p.Gly503Val) have been reported as pathogenic. Computational prediction tools and conservation analysis suggest that the p.Gly5 03Arg variant may impact the protein.

PreventionGenetics, part of Exact Sciences
Classification: Pathogenic for PTPN11-related condition. Last evaluated: 2023-11-28. Review status: no assertion criteria provided. Collection method: clinical testing. Allele origin: germline. Not counted in ClinVar's aggregate classification.
Comment: The PTPN11 c.1507G>A variant is predicted to result in the amino acid substitution p.Gly503Arg. This variant has been reported as a recurrent variant to be causative for Noonan syndrome and neurodevelopment disorders (see for example - Tartaglia et al. 2006. PubMed ID: 16358218; Cammarata-Scalisi et al. 2012. PubMed ID: 23513489; Geisheker et al. 2017. PubMed ID: 28628100, reported as de novo in Table S4; Leach et al. 2019. PubMed ID: 29907801, Table 2). This variant has not been reported in a large population database, indicating this variant is rare. Additionally, an alternate nucleotide substitution (c.1507G>C) resulting in the same missense variant (p.Gly503Arg) and alternate missense variants (p.Gly503Glu, p.Gly503Ala, p.Gly503Val) affecting this amino acid have been reported as pathogenic (Human Gene Mutation Database). This variant is interpreted as pathogenic.

Clinical Genetics Laboratory, University Hospital Schleswig-Holstein
Classification: Pathogenic for Noonan syndrome 1. Last evaluated: 2022-12-05. Review status: no assertion criteria provided. Collection method: clinical testing. Allele origin: germline. Affected: yes. Not counted in ClinVar's aggregate classification.

Biochemical Molecular Genetic Laboratory, King Abdulaziz Medical City
Classification: Pathogenic for Noonan syndrome 1. Last evaluated: 2019-09-26. Review status: no assertion criteria provided. Collection method: clinical testing. Allele origin: germline. Affected: yes. Not counted in ClinVar's aggregate classification.

ARUP Laboratories, Molecular Genetics and Genomics, ARUP Laboratories
Classification: Pathogenic for Noonan syndrome. Last evaluated: 2010-08-27. Review status: no assertion criteria provided. Collection method: clinical testing. Allele origin: germline. Affected: yes. Observed: 1 variant allele. Not counted in ClinVar's aggregate classification.

Literature cited by the submitters: PubMed 26456833 (cited by Center for Genomic Medicine, Rigshospitalet, Copenhagen University Hospital); PubMed 15001945 (cited by Labcorp Genetics (formerly Invitae), Labcorp and Ambry Genetics); PubMed 16358218 (cited by 6 submitters); PubMed 18678287 (cited by 5 submitters); PubMed 18758896 (cited by Labcorp Genetics (formerly Invitae), Labcorp and Ambry Genetics); PubMed 22465605 (cited by 3 submitters); PubMed 23513489 (cited by 3 submitters); PubMed 25533962 (cited by Dasa); PubMed 29493581 (cited by Dasa); PubMed 9491886 (cited by Ambry Genetics); PubMed 12960218 (cited by 3 submitters); PubMed 23334668 (cited by Ambry Genetics); PubMed 24754368 (cited by Ambry Genetics); PubMed 21407260 (cited by 3billion); PubMed 23756559 (cited by 3billion); PubMed 11992261 (cited by Victorian Clinical Genetics Services, Murdoch Childrens Research Institute); PubMed 21533187 (cited by Victorian Clinical Genetics Services, Murdoch Childrens Research Institute); PubMed 24935154 (cited by Victorian Clinical Genetics Services, Murdoch Childrens Research Institute); PubMed 32164556 (cited by Victorian Clinical Genetics Services, Murdoch Childrens Research Institute); PubMed 12717436 (cited by Laboratory for Molecular Medicine, Mass General Brigham Personalized Medicine); PubMed 18470943 (cited by Laboratory for Molecular Medicine, Mass General Brigham Personalized Medicine and Eurofins Ntd Llc (ga)); PubMed 28628100 (cited by Laboratory for Molecular Medicine, Mass General Brigham Personalized Medicine).